The following is an entry in ClinVar:

NM_198253.3(TERT):c.1918G>A (p.Val640Met)

Gene: TERT (telomerase reverse transcriptase; minus strand). Cytogenetic location: 5p15.33.
Variant type: single nucleotide variant.
Coding change: c.1918G>A on transcript NM_198253.3 (MANE Select); coding-DNA position 1918, G replaced by A.
Protein change: p.Val640Met; replaces valine 640 with methionine.
Molecular consequence: missense variant. On other transcripts: non-coding transcript variant (2).
Genome position (GRCh38, 1-based): chr5:1,280,190, C>T on the plus strand (G>A on the coding strand, the complement: TERT is on the minus strand). VCF-style: chr5-1280190-C-T. GRCh37 (hg19) VCF-style: chr5-1280305-C-T.
Other names: c.1918G>A, p.Val640Met (NM_001193376.3); short protein forms V640M.
Identifiers: ClinVar variation 539188 (VCV000539188.12), dbSNP rs765195721, ClinGen allele CA3184730.

ClinVar aggregate classification (germline): Uncertain significance. Review status: criteria provided, multiple submitters, no conflicts (2 of 4 stars). 4 submissions from 4 submitters: Uncertain significance (4). Last evaluated 2026-01-24.

Conditions:
Dyskeratosis congenita, autosomal dominant 2. Identifiers: MedGen C3151443, MONDO:0013521, OMIM 613989.
Idiopathic Pulmonary Fibrosis. Also called: Idiopathic fibrosing alveolitis, chronic form; idiopathic fibrosing alveolitis. Identifiers: Orphanet 2032, MedGen C1800706, MeSH D054990, MONDO:0800504.
Pulmonary fibrosis and/or bone marrow failure, Telomere-related, 1. Also called: PULMONARY FIBROSIS AND/OR BONE MARROW FAILURE SYNDROME, TELOMERE-RELATED, 1. Identifiers: Orphanet 88, MedGen C3553617, MONDO:0013878, OMIM 614742.
Dyskeratosis congenita. Identifiers: Orphanet 1775, MedGen C0265965, MONDO:0015780.

Allele frequency attached by ClinVar (database versions not stated): TOPMed below 0.00001; gnomAD exomes 0.00001; ExAC 0.00002.
gnomAD v4.1: 8 of 1,614,096 alleles (0.0005%); highest among the groups gnomAD compares: African/African-American, 0.0027%; no homozygotes.

Submissions (4):

Labcorp Genetics (formerly Invitae), Labcorp
Classification: Uncertain significance for Dyskeratosis congenita, autosomal dominant 2; Idiopathic Pulmonary Fibrosis. Last evaluated: 2026-01-24. Review status: criteria provided, single submitter. Criteria: Invitae Variant Classification Sherloc (09022015). Collection method: clinical testing. Allele origin: germline.
Comment: This sequence change replaces valine, which is neutral and non-polar, with methionine, which is neutral and non-polar, at codon 640 of the TERT protein (p.Val640Met). This variant is present in population databases (rs765195721, gnomAD 0.002%). This variant has not been reported in the literature in individuals affected with TERT-related conditions. ClinVar contains an entry for this variant (Variation ID: 539188). Invitae Evidence Modeling of protein sequence and biophysical properties (such as structural, functional, and spatial information, amino acid conservation, physicochemical variation, residue mobility, and thermodynamic stability) indicates that this missense variant is not expected to disrupt TERT protein function with a negative predictive value of 95%. In summary, the available evidence is currently insufficient to determine the role of this variant in disease. Therefore, it has been classified as a Variant of Uncertain Significance.

3billion
Classification: Uncertain significance for Pulmonary fibrosis and/or bone marrow failure, Telomere-related, 1. Last evaluated: 2025-03-17. Review status: criteria provided, single submitter. Criteria: ACMG Guidelines, 2015. Collection method: clinical testing. Allele origin: germline. Affected: yes.

GeneDx
Classification: Uncertain significance. Last evaluated: 2024-05-14. Review status: criteria provided, single submitter. Criteria: GeneDx Variant Classification Process June 2021. Collection method: clinical testing. Allele origin: germline. Affected: yes.
Comment: Not observed at significant frequency in large population cohorts (gnomAD); In silico analysis indicates that this missense variant does not alter protein structure/function; Has not been previously published as pathogenic or benign to our knowledge

Ambry Genetics
Classification: Uncertain significance for Dyskeratosis congenita. Last evaluated: 2022-04-21. Review status: criteria provided, single submitter. Criteria: Ambry Variant Classification Scheme 2023. Collection method: clinical testing. Allele origin: germline.
Comment: The p.V640M variant (also known as c.1918G>A), located in coding exon 4 of the TERT gene, results from a G to A substitution at nucleotide position 1918. The valine at codon 640 is replaced by methionine, an amino acid with highly similar properties. This amino acid position is conserved. In addition, this alteration is predicted to be tolerated by in silico analysis. Since supporting evidence is limited at this time, the clinical significance of this alteration remains unclear.